The following is an entry in ClinVar:

ClinVar aggregate classification (germline): Uncertain significance (1 of 4 stars; one submission).

gnomAD v4.1: 1 of 1,212,355 alleles (0.000082%); highest among the groups gnomAD compares: African/African-American, 0.0017%; no homozygotes.

Submission:

GeneDx
Classification: Uncertain significance. Last evaluated: 2024-10-29. Review status: criteria provided, single submitter. Criteria: GeneDx Variant Classification Process June 2021. Collection method: clinical testing. Allele origin: germline. Affected: yes.
Comment: Not observed at significant frequency in large population cohorts (gnomAD); In silico analysis indicates that this missense variant does not alter protein structure/function; Has not been previously published as pathogenic or benign to our knowledge

NM_001379451.1(BCORL1):c.2776C>T (p.Leu926Phe)

Gene: BCORL1 (BCL6 corepressor like 1; plus strand). Cytogenetic location: Xq26.1.
Variant type: single nucleotide variant.
Coding change: c.2776C>T on transcript NM_001379451.1 (MANE Select); coding-DNA position 2776, C replaced by T.
Protein change: p.Leu926Phe; replaces leucine 926 with phenylalanine.
Molecular consequence: missense variant.
Genome position (GRCh38, 1-based): chrX:130,015,548, C>T. VCF-style: chrX-130015548-C-T. GRCh37 (hg19) VCF-style: chrX-129149524-C-T.
Other names: c.2776C>T, p.Leu926Phe (NM_001184772.3, NM_001379450.1, NM_021946.5); short protein forms L926F.
Identifiers: ClinVar variation 3897178 (VCV003897178.1).